The following is an entry in ClinVar:

NM_001286577.2(C2CD3):c.62G>A (p.Ser21Asn)

Gene: C2CD3 (C2 domain containing 3 centriole elongation regulator; minus strand). Cytogenetic location: 11q13.4.
Variant type: single nucleotide variant.
Coding change: c.62G>A on transcript NM_001286577.2 (MANE Select); coding-DNA position 62, G replaced by A.
Protein change: p.Ser21Asn; replaces serine 21 with asparagine.
Molecular consequence: missense variant.
Genome position (GRCh38, 1-based): chr11:74,168,607, C>T on the plus strand (G>A on the coding strand, the complement: C2CD3 is on the minus strand). VCF-style: chr11-74168607-C-T. GRCh37 (hg19) VCF-style: chr11-73879652-C-T.
Other names: c.62G>A, p.Ser21Asn (NM_015531.6); short protein forms S21N.
Identifiers: ClinVar variation 736404 (VCV000736404.13), dbSNP rs570315365, ClinGen allele CA6183316.

ClinVar aggregate classification (germline): Benign/Likely benign. Review status: criteria provided, multiple submitters, no conflicts (2 of 4 stars). 3 submissions from 3 submitters: Benign (1); Likely benign (1). 1 of the submissions does not count toward it. Last evaluated 2025-12-15.

Conditions:
C2CD3-related disorder. Also called: C2CD3-related condition.

Allele frequency attached by ClinVar (database versions not stated): gnomAD 0.00001 and 0.00029; TOPMed 0.00010; gnomAD exomes 0.00052 and 0.00100; ExAC 0.00123; 1000 Genomes Project 30x 0.00234; 1000 Genomes Project 0.00240.
gnomAD v4.1: 826 of 1,613,564 alleles (0.051%); highest among the groups gnomAD compares: South Asian, 0.83%; 12 homozygotes.

Submissions (3):

Labcorp Genetics (formerly Invitae), Labcorp
Classification: Benign. Last evaluated: 2025-12-15. Review status: criteria provided, single submitter. Criteria: Invitae Variant Classification Sherloc (09022015). Collection method: clinical testing. Allele origin: germline.

Blueprint Genetics
Classification: Likely benign. Last evaluated: 2024-05-14. Review status: criteria provided, single submitter. Criteria: ACMG Guidelines, 2015. Collection method: clinical testing. Allele origin: germline.

PreventionGenetics, part of Exact Sciences
Classification: Likely benign for C2CD3-related condition. Last evaluated: 2021-02-10. Review status: no assertion criteria provided. Collection method: clinical testing. Allele origin: germline. Not counted in ClinVar's aggregate classification.
Comment: This variant is classified as likely benign based on ACMG/AMP sequence variant interpretation guidelines (Richards et al. 2015 PMID: 25741868, with internal and published modifications).